The following is an entry in ClinVar:

ClinVar aggregate classification (germline): Conflicting classifications of pathogenicity. Review status: criteria provided, conflicting classifications (1 of 4 stars). 4 submissions from 3 submitters: Uncertain significance (3); Benign (1). Last evaluated 2025-12-10.

Conditions:
Autosomal recessive ataxia, Beauce type. Also called: SYNE1 Deficiency; SYNE1-Related Autosomal Recessive Cerebellar Ataxia; Spinocerebellar ataxia, autosomal recessive 8; ATAXIA, RECESSIVE, OF BEAUCE. Identifiers: Orphanet 88644, MedGen C1853116, MONDO:0012549, OMIM 610743.
Emery-Dreifuss muscular dystrophy 4, autosomal dominant (EDMD4). Also called: EMERY-DREIFUSS MUSCULAR DYSTROPHY 4 WITH VARIABLE FEATURES. Identifiers: Orphanet 261, MedGen C2751807, MONDO:0013071, OMIM 612998.

Allele frequency attached by ClinVar (database versions not stated): gnomAD 0.00003 and 0.00004; TOPMed 0.00003; ESP Exome Variant Server 0.00008; ExAC 0.00009; gnomAD exomes 0.00014.
gnomAD v4.1: 52 of 1,613,686 alleles (0.0032%); highest among the groups gnomAD compares: East Asian, 0.051%; no homozygotes.

Submissions (4):

Labcorp Genetics (formerly Invitae), Labcorp
Classification: Uncertain significance for Emery-Dreifuss muscular dystrophy 4, autosomal dominant; Autosomal recessive ataxia, Beauce type. Last evaluated: 2025-12-10. Review status: criteria provided, single submitter. Criteria: Invitae Variant Classification Sherloc (09022015). Collection method: clinical testing. Allele origin: germline.
Comment: This sequence change replaces threonine, which is neutral and polar, with methionine, which is neutral and non-polar, at codon 5271 of the SYNE1 protein (p.Thr5271Met). This variant is present in population databases (rs202105931, gnomAD 0.1%). This variant has not been reported in the literature in individuals affected with SYNE1-related conditions. ClinVar contains an entry for this variant (Variation ID: 355861). An algorithm developed to predict the effect of missense changes on protein structure and function (PolyPhen-2) suggests that this variant is likely to be disruptive. In summary, the available evidence is currently insufficient to determine the role of this variant in disease. Therefore, it has been classified as a Variant of Uncertain Significance.

Revvity Omics, Revvity
Classification: Uncertain significance. Last evaluated: 2020-11-02. Review status: criteria provided, single submitter. Criteria: ACMG Guidelines, 2015. Collection method: clinical testing. Allele origin: germline.

Illumina Laboratory Services, Illumina
Classification: Uncertain significance for Autosomal recessive ataxia, Beauce type. Last evaluated: 2018-01-13. Review status: criteria provided, single submitter. Criteria: ICSL Variant Classification Criteria 13 December 2019. Collection method: clinical testing. Allele origin: germline.

Illumina Laboratory Services, Illumina
Classification: Benign for Emery-Dreifuss muscular dystrophy 4, autosomal dominant. Last evaluated: 2018-01-13. Review status: criteria provided, single submitter. Criteria: ICSL Variant Classification Criteria 13 December 2019. Collection method: clinical testing. Allele origin: germline.
Comment: This variant was observed in the ICSL laboratory as part of a predisposition screen in an ostensibly healthy population. It had not been previously curated by ICSL or reported in the Human Gene Mutation Database (HGMD: prior to June 1st, 2018), and was therefore a candidate for classification through an automated scoring system. Utilizing variant allele frequency, disease prevalence and penetrance estimates, and inheritance mode, an automated score was calculated to assess if this variant is too frequent to cause the disease. Based on the score and internal cut-off values, a variant classified as benign is not then subjected to further curation. The score for this variant resulted in a classification of benign for this disease.

NM_182961.4(SYNE1):c.16025C>T (p.Thr5342Met)

Gene: SYNE1 (spectrin repeat containing nuclear envelope protein 1; minus strand). Cytogenetic location: 6q25.2.
Variant type: single nucleotide variant.
Coding change: c.16025C>T on transcript NM_182961.4 (MANE Select); coding-DNA position 16025, C replaced by T.
Protein change: p.Thr5342Met; replaces threonine 5342 with methionine.
Molecular consequence: missense variant.
Genome position (GRCh38, 1-based): chr6:152,321,779, G>A on the plus strand (C>T on the coding strand, the complement: SYNE1 is on the minus strand). VCF-style: chr6-152321779-G-A. GRCh37 (hg19) VCF-style: chr6-152642914-G-A.
Other names: c.15812C>T, p.Thr5271Met (NM_033071.5); short protein forms T5342M, T5271M.
Identifiers: ClinVar variation 355861 (VCV000355861.13), dbSNP rs202105931, ClinGen allele CA4055628.